The following is an entry in ClinVar:

ClinVar aggregate classification (germline): Conflicting classifications of pathogenicity. Review status: criteria provided, conflicting classifications (1 of 4 stars). 8 submissions from 8 submitters: Pathogenic (3); Likely pathogenic (4); Uncertain significance (1). Last evaluated 2026-01-13.

Conditions:
APTX-related disorder. Also called: APTX-related condition.
Ataxia, early-onset, with oculomotor apraxia and hypoalbuminemia (EAOH). Also called: ATAXIA-OCULOMOTOR APRAXIA SYNDROME; ATAXIA-TELANGIECTASIA-LIKE SYNDROME; Ataxia-oculomotor apraxia type 1. Identifiers: Orphanet 1168, MedGen C1859598, MONDO:0008842, OMIM 208920.

Allele frequency attached by ClinVar (database versions not stated): ExAC 0.00002; gnomAD 0.00002; TOPMed 0.00003; gnomAD exomes 0.00004.
gnomAD v4.1: 46 of 1,614,068 alleles (0.0028%); highest among the groups gnomAD compares: Middle Eastern, 0.016%; no homozygotes.

Submissions (8):

Dasa
Classification: Uncertain significance. Last evaluated: 2026-01-13. Review status: criteria provided, single submitter. Criteria: DASA Assertion Criteria. Collection method: clinical testing. Allele origin: germline.
Comment: NM_001195248.2(APTX):c.124C>T (p.Arg42*) is a nonsense variant in APTX predicted to introduce a premature termination codon and is predicted to result in an absent or altered protein product. Published studies describe this variant in association with related phenotype (PMID: 30609409). Also, this variant is rare in population databases. The currently available literature and clinical evidence are not sufficient to establish a definitive association between this variant and the reported condition. Therefore, this variant is classified as a variant of uncertain significance.

Labcorp Genetics (formerly Invitae), Labcorp
Classification: Pathogenic. Last evaluated: 2025-05-19. Review status: criteria provided, single submitter. Criteria: Invitae Variant Classification Sherloc (09022015). Collection method: clinical testing. Allele origin: germline.
Comment: This sequence change creates a premature translational stop signal (p.Arg42*) in the APTX gene. It is expected to result in an absent or disrupted protein product. Loss-of-function variants in APTX are known to be pathogenic (PMID: 15719174, 21465257, 23183622, 26285866). This variant is present in population databases (rs201912053, gnomAD 0.08%). This variant has not been reported in the literature in individuals affected with APTX-related conditions. ClinVar contains an entry for this variant (Variation ID: 420789). For these reasons, this variant has been classified as Pathogenic.

Athena Diagnostics
Classification: Likely pathogenic. Last evaluated: 2025-04-14. Review status: criteria provided, single submitter. Criteria: Athena Diagnostics Criteria. Collection method: clinical testing. Allele origin: unknown.
Comment: This variant is expected to result in the loss of a functional protein. The frequency of this variant in the general population is consistent with pathogenicity.

CeGaT Center for Human Genetics Tuebingen
Classification: Pathogenic. Last evaluated: 2024-10-01. Review status: criteria provided, single submitter. Criteria: CeGaT Center For Human Genetics Tuebingen Variant Classification Criteria Version 2. Collection method: clinical testing. Allele origin: germline. Affected: yes. Observed: 2 variant alleles.
Comment: APTX: PVS1, PM2, PM3:Supporting

Blueprint Genetics
Classification: Likely pathogenic for APTX-related disorders. Last evaluated: 2024-04-30. Review status: criteria provided, single submitter. Criteria: ACMG Guidelines, 2015. Collection method: clinical testing. Allele origin: germline. Affected: yes. Observed: 4 variant alleles.

GeneDx
Classification: Likely pathogenic. Last evaluated: 2022-07-01. Review status: criteria provided, single submitter. Criteria: GeneDx Variant Classification Process June 2021. Collection method: clinical testing. Allele origin: germline. Affected: yes.
Comment: Reported as a single heterozygous variant in a newborn undergoing exome sequencing through the BabySeq Project (Ceyhan-Birsoy et al., 2019); Nonsense variant predicted to result in protein truncation or nonsense mediated decay in a gene for which loss-of-function is a known mechanism of disease; This variant is associated with the following publications: (PMID: 30609409)

Institute of Medical Genetics and Applied Genomics, University Hospital Tübingen
Classification: Pathogenic. Last evaluated: 2021-06-17. Review status: criteria provided, single submitter. Criteria: ACMG Guidelines, 2015. Collection method: clinical testing. Allele origin: germline. Inheritance: Autosomal recessive inheritance. Affected: yes.

Laboratory for Molecular Medicine, Mass General Brigham Personalized Medicine
Classification: Likely pathogenic for Ataxia, early-onset, with oculomotor apraxia and hypoalbuminemia. Last evaluated: 2017-01-03. Review status: criteria provided, single submitter. Criteria: LMM Criteria. Collection method: clinical testing. Allele origin: germline. Inheritance: Autosomal recessive inheritance. Observed: 1 variant allele.
Comment: The p.Arg42X (NM_175073.2 c.124C>T) variant in APTX has not been reported in ind ividuals with clinical features of ataxia with oculomotor apraxia type 1. This v ariant has been identified in 3/11578 of Latino chromosomes by the Exome Aggrega tion Consortium (ExAC; dbSNP rs201912053). This nonsense variant leads to a premature termination codon at position 42, which is predicted to lead to a truncated or absent protein. Biallelic loss of function of the APTX gene has been associated with ataxia with oculomotor apraxia type 1. In summary, although additional studies are required to fully establish a null effect on the protein, the p.Arg42X variant in APTX is likely pathogenic for ata xia with oculomotor apraxia type 1 in an autosomal recessive manner based upon p redicted impact on protein function.

Literature cited by the submitters: PubMed 30609409 (cited by Dasa and Athena Diagnostics); PubMed 15719174 (cited by Labcorp Genetics (formerly Invitae), Labcorp); PubMed 21465257 (cited by Labcorp Genetics (formerly Invitae), Labcorp); PubMed 23183622 (cited by Labcorp Genetics (formerly Invitae), Labcorp); PubMed 26285866 (cited by Labcorp Genetics (formerly Invitae), Labcorp); PubMed 39425040 (cited by Athena Diagnostics); PubMed 38584274 (cited by Athena Diagnostics); PubMed 38361118 (cited by Athena Diagnostics); PubMed 26485759 (cited by Athena Diagnostics).

NM_001195248.2(APTX):c.124C>T (p.Arg42Ter)

Gene: APTX (aprataxin; minus strand). Cytogenetic location: 9p21.1.
Variant type: single nucleotide variant.
Coding change: c.124C>T on transcript NM_001195248.2 (MANE Select); coding-DNA position 124, C replaced by T.
Protein change: p.Arg42Ter; replaces arginine 42 with a stop codon.
Molecular consequence: nonsense. On other transcripts: 5 prime UTR variant (8), non-coding transcript variant (13).
Genome position (GRCh38, 1-based): chr9:32,989,768, G>A on the plus strand (C>T on the coding strand, the complement: APTX is on the minus strand). VCF-style: chr9-32989768-G-A. GRCh37 (hg19) VCF-style: chr9-32989766-G-A.
Other names: c.124C>T, p.Arg42Ter (NM_001195249.2, NM_001195250.2, NM_001195251.2 and 11 more transcripts); c.-136C>T (NM_001369002.1, NM_001369003.1, NM_001369005.1 and 4 more transcripts); c.-94C>T (NM_001369004.1); short protein forms R42*.
Identifiers: ClinVar variation 420789 (VCV000420789.48), dbSNP rs201912053, ClinGen allele CA5022652.